The following is an entry in ClinVar:

NM_012144.4(DNAI1):c.968_969delinsC (p.Trp323fs)

Gene: DNAI1 (dynein axonemal intermediate chain 1; plus strand). Cytogenetic location: 9p13.3.
Variant type: Indel.
Coding change: c.968_969delinsC on transcript NM_012144.4 (MANE Select); coding-DNA positions 968 to 969, GG replaced by C.
Protein change: p.Trp323fs; shifts the reading frame from tryptophan 323.
Molecular consequence: frameshift variant.
Genome position (GRCh38, 1-based): chr9:34,500,788-34,500,789, GG replaced by C. VCF-style: chr9-34500788-GG-C. GRCh37 (hg19) VCF-style: chr9-34500786-GG-C.
Other names: c.980_981delinsC, p.Trp327fs (NM_001281428.2); short protein forms W323fs, W327fs.
Identifiers: ClinVar variation 5013314 (VCV005013314.1).

ClinVar aggregate classification (germline): Pathogenic (1 of 4 stars; one submission).

Conditions:
Kartagener syndrome (CILD1). Also called: CILIARY DYSKINESIA, PRIMARY, 1; CILIARY DYSKINESIA, PRIMARY, 1, WITH OR WITHOUT SITUS INVERSUS; IMMOTILE CILIA SYNDROME; POLYNESIAN BRONCHIECTASIS; Dextrocardia bronchiectasis and sinusitis; SIEWERT SYNDROME. Identifiers: Orphanet 244, MedGen C4551906, MONDO:0009484, OMIM 244400.

Submission:

Myriad Genetics, Inc.
Classification: Pathogenic for Kartagener syndrome. Last evaluated: 2024-07-15. Review status: criteria provided, single submitter. Criteria: Myriad Autosomal Dominant, Autosomal Recessive and X-Linked Classification Criteria (2023). Collection method: clinical testing. Allele origin: unknown.
Comment: NM_012144.2(DNAI1):c.968_969delGGinsC(W323Sfs*36) is expected to be pathogenic in the context of primary ciliary dyskinesia, DNAI1-related. This variant is predicted to lead to an abnormal or absent protein product due to the creation of a premature termination codon in DNAI1, a gene where loss-of-function variants are known to be pathogenic. Please note: this variant was assessed in the context of healthy population screening.